The following is an entry in ClinVar:

ClinVar aggregate classification (germline): Benign/Likely benign. Review status: criteria provided, multiple submitters, no conflicts (2 of 4 stars). 4 submissions from 4 submitters: Benign (2); Likely benign (1). 1 of the submissions does not count toward it. Last evaluated 2026-01-22.

Conditions:
CSGALNACT1-related disorder. Also called: CSGALNACT1-related condition.

Allele frequency attached by ClinVar (database versions not stated): 1000 Genomes Project 0.00140; 1000 Genomes Project 30x 0.00156; ESP Exome Variant Server 0.00431.
gnomAD v4.1: 8,561 of 1,614,096 alleles (0.53%); highest among the groups gnomAD compares: Non-Finnish European, 0.65%; 36 homozygotes.

Submissions (4):

Labcorp Genetics (formerly Invitae), Labcorp
Classification: Benign. Last evaluated: 2026-01-22. Review status: criteria provided, single submitter. Criteria: Invitae Variant Classification Sherloc (09022015). Collection method: clinical testing. Allele origin: germline.

CeGaT Center for Human Genetics Tuebingen
Classification: Likely benign. Last evaluated: 2025-12-01. Review status: criteria provided, single submitter. Criteria: CeGaT Center For Human Genetics Tuebingen Variant Classification Criteria Version 2. Collection method: clinical testing. Allele origin: germline. Affected: yes. Observed: 4 variant alleles.
Comment: CSGALNACT1: BP4, BS2

Breakthrough Genomics
Classification: Benign. Review status: criteria provided, single submitter. Criteria: ACMG Guidelines, 2015. Collection method: not provided. Allele origin: germline. Inheritance: Autosomal recessive inheritance. Affected: yes.

PreventionGenetics, part of Exact Sciences
Classification: Likely benign for CSGALNACT1-related condition. Last evaluated: 2019-06-03. Review status: no assertion criteria provided. Collection method: clinical testing. Allele origin: germline. Not counted in ClinVar's aggregate classification.
Comment: This variant is classified as likely benign based on ACMG/AMP sequence variant interpretation guidelines (Richards et al. 2015 PMID: 25741868, with internal and published modifications).

NM_001354483.2(CSGALNACT1):c.1562G>C (p.Arg521Pro)

Gene: CSGALNACT1 (chondroitin sulfate N-acetylgalactosaminyltransferase 1; minus strand). Cytogenetic location: 8p21.3.
Variant type: single nucleotide variant.
Coding change: c.1562G>C on transcript NM_001354483.2 (MANE Select); coding-DNA position 1562, G replaced by C.
Protein change: p.Arg521Pro; replaces arginine 521 with proline.
Molecular consequence: missense variant. On other transcripts: non-coding transcript variant (7).
Genome position (GRCh38, 1-based): chr8:19,405,817, C>G on the plus strand (G>C on the coding strand, the complement: CSGALNACT1 is on the minus strand). VCF-style: chr8-19405817-C-G. GRCh37 (hg19) VCF-style: chr8-19263328-C-G.
Other names: c.1562G>C (NM_001130518.1); c.1562G>C, p.Arg521Pro (NM_001130518.2, NM_001354475.2, NM_001354476.2 and 18 more transcripts); short protein forms R521P.
Identifiers: ClinVar variation 1599898 (VCV001599898.34), dbSNP rs61910741, ClinGen allele CA4653726.